The following is an entry in ClinVar:

NM_000051.4(ATM):c.4733A>G (p.Gln1578Arg)

Gene: ATM (ATM serine/threonine kinase; plus strand). Cytogenetic location: 11q22.3.
Variant type: single nucleotide variant.
Coding change: c.4733A>G on transcript NM_000051.4 (MANE Select); coding-DNA position 4733, A replaced by G.
Protein change: p.Gln1578Arg; replaces glutamine 1578 with arginine.
Molecular consequence: missense variant.
Genome position (GRCh38, 1-based): chr11:108,293,434, A>G. VCF-style: chr11-108293434-A-G. GRCh37 (hg19) VCF-style: chr11-108164161-A-G.
Other names: c.4733A>G, p.Gln1578Arg (NM_001351834.2); short protein forms Q1578R.
Identifiers: ClinVar variation 965626 (VCV000965626.19), dbSNP rs2082922811, ClinGen allele CA382535021.

ClinVar aggregate classification (germline): Uncertain significance. Review status: criteria provided, multiple submitters, no conflicts (2 of 4 stars). 4 submissions from 4 submitters: Uncertain significance (3). 1 of the submissions does not count toward it. Last evaluated 2025-09-30.

Conditions:
Hereditary cancer-predisposing syndrome. Also called: Hereditary neoplastic syndrome; Hereditary Cancer Syndrome; Tumor predisposition; Neoplastic Syndromes, Hereditary. Identifiers: Orphanet 140162, MedGen C0027672, MeSH D009386, MONDO:0015356.
Ataxia-telangiectasia syndrome (AT). Also called: ATAXIA-TELANGIECTASIA, FRESNO VARIANT; Ataxia-telangiectasia, complementation group E; Ataxia telangiectasia (A-T); LOUIS-BAR SYNDROME; Ataxia-telangiectasia, complementation group D; AT, COMPLEMENTATION GROUP C. Identifiers: Orphanet 100, MedGen C0004135, MONDO:0008840, OMIM 208900.

Submissions (4):

Institute for Biomarker Research, Medical Diagnostic Laboratories, L.L.C.
Classification: Uncertain significance for Hereditary cancer-predisposing syndrome. Last evaluated: 2025-09-30. Review status: criteria provided, single submitter. Criteria: ACMG Guidelines, 2015. Collection method: clinical testing. Allele origin: germline.
Comment: The missense variant NM_000051.4(ATM):c.4733A>G (p.Gln1578Arg) has not been reported previously as a pathogenic variant nor as a benign variant, to our knowledge. There is a small physicochemical difference between glutamine and arginine, which is not likely to impact secondary protein structure as these residues share similar properties. The gene ATM has a low rate of benign missense variation as indicated by a high missense variants Z-Score of 2.52. The p.Gln1578Arg missense variant is predicted to be damaging by both SIFT and PolyPhen2. The glutamine residue at codon 1578 of ATM is conserved in all mammalian species. The nucleotide c.4733 in ATM is predicted conserved by GERP++ and PhyloP across 100 vertebrates. For these reasons, this variant has been classified as Uncertain Significance.

Labcorp Genetics (formerly Invitae), Labcorp
Classification: Uncertain significance for Ataxia-telangiectasia syndrome. Last evaluated: 2025-01-29. Review status: criteria provided, single submitter. Criteria: Invitae Variant Classification Sherloc (09022015). Collection method: clinical testing. Allele origin: germline.
Comment: This sequence change replaces glutamine, which is neutral and polar, with arginine, which is basic and polar, at codon 1578 of the ATM protein (p.Gln1578Arg). This variant is not present in population databases (gnomAD no frequency). This variant has not been reported in the literature in individuals affected with ATM-related conditions. ClinVar contains an entry for this variant (Variation ID: 965626). Invitae Evidence Modeling of protein sequence and biophysical properties (such as structural, functional, and spatial information, amino acid conservation, physicochemical variation, residue mobility, and thermodynamic stability) indicates that this missense variant is not expected to disrupt ATM protein function with a negative predictive value of 95%. In summary, the available evidence is currently insufficient to determine the role of this variant in disease. Therefore, it has been classified as a Variant of Uncertain Significance.

Color Diagnostics, LLC DBA Color Health
Classification: Uncertain significance for Hereditary cancer-predisposing syndrome. Last evaluated: 2024-03-06. Review status: criteria provided, single submitter. Criteria: ACMG Guidelines, 2015. Collection method: clinical testing. Allele origin: germline.
Comment: This missense variant replaces glutamine with arginine at codon 1578 of the ATM protein. Computational prediction suggests that this variant may not impact protein structure and function (internally defined REVEL score threshold <= 0.5, PMID: 27666373). To our knowledge, functional studies have not been reported for this variant. This variant has not been reported in individuals affected with hereditary cancer in the literature. This variant has not been identified in the general population by the Genome Aggregation Database (gnomAD). The available evidence is insufficient to determine the role of this variant in disease conclusively. Therefore, this variant is classified as a Variant of Uncertain Significance.

Natera, Inc.
Classification: Uncertain significance for Ataxia-telangiectasia. Last evaluated: 2021-05-20. Review status: no assertion criteria provided. Collection method: clinical testing. Allele origin: germline. Not counted in ClinVar's aggregate classification.